The following is an entry in ClinVar:

ClinVar aggregate classification (germline): Uncertain significance (1 of 4 stars; one submission).

Conditions:
Familial hypocalciuric hypercalcemia (FHH). Also called: Familial benign hypercalcemia. Identifiers: Orphanet 405, MedGen C1809471, MONDO:0018458.
Autosomal dominant hypocalcemia 1 (HYPOC1). Also called: HYPOCALCEMIA, FAMILIAL. Identifiers: MedGen C3715128, MONDO:0011013, OMIM 601198.

Submission:

Labcorp Genetics (formerly Invitae), Labcorp
Classification: Uncertain significance for Familial hypocalciuric hypercalcemia; Autosomal dominant hypocalcemia 1. Last evaluated: 2021-05-18. Review status: criteria provided, single submitter. Criteria: Invitae Variant Classification Sherloc (09022015). Collection method: clinical testing. Allele origin: germline.
Comment: This sequence change replaces serine with phenylalanine at codon 905 of the CASR protein (p.Ser905Phe). The serine residue is highly conserved and there is a large physicochemical difference between serine and phenylalanine. This variant is not present in population databases (ExAC no frequency). This variant has not been reported in the literature in individuals with CASR-related disease. Algorithms developed to predict the effect of missense changes on protein structure and function (SIFT, PolyPhen-2, Align-GVGD) all suggest that this variant is likely to be disruptive, but these predictions have not been confirmed by published functional studies and their clinical significance is uncertain. In summary, the available evidence is currently insufficient to determine the role of this variant in disease. Therefore, it has been classified as a Variant of Uncertain Significance.

NM_000388.4(CASR):c.2714C>T (p.Ser905Phe)

Gene: CASR (calcium sensing receptor; plus strand). Cytogenetic location: 3q21.1.
Variant type: single nucleotide variant.
Coding change: c.2714C>T on transcript NM_000388.4 (MANE Select); coding-DNA position 2714, C replaced by T.
Protein change: p.Ser905Phe; replaces serine 905 with phenylalanine.
Molecular consequence: missense variant.
Genome position (GRCh38, 1-based): chr3:122,284,668, C>T. VCF-style: chr3-122284668-C-T. GRCh37 (hg19) VCF-style: chr3-122003515-C-T.
Other names: c.2744C>T, p.Ser915Phe (NM_001178065.2); short protein forms S905F, S915F.
Identifiers: ClinVar variation 582934 (VCV000582934.10), dbSNP rs1559969541, ClinGen allele CA354160613.